The following is an entry in ClinVar:

NM_181703.4(GJA5):c.275A>C (p.Tyr92Ser)

Gene: GJA5 (gap junction protein alpha 5; minus strand). Cytogenetic location: 1q21.2.
Variant type: single nucleotide variant.
Coding change: c.275A>C on transcript NM_181703.4 (MANE Select); coding-DNA position 275, A replaced by C.
Protein change: p.Tyr92Ser; replaces tyrosine 92 with serine.
Molecular consequence: missense variant.
Genome position (GRCh38, 1-based): chr1:147,758,964, T>G on the plus strand (A>C on the coding strand, the complement: GJA5 is on the minus strand). VCF-style: chr1-147758964-T-G. GRCh37 (hg19) VCF-style: chr1-147231072-T-G.
Other names: c.275A>C, p.Tyr92Ser (NM_005266.7); short protein forms Y92S.
Identifiers: ClinVar variation 2522496 (VCV002522496.5), dbSNP rs374342167, ClinGen allele CA30069126.

ClinVar aggregate classification (germline): Uncertain significance. Review status: criteria provided, multiple submitters, no conflicts (2 of 4 stars). 2 submissions from 2 submitters: Uncertain significance (2). Last evaluated 2025-10-24.

Conditions:
Inborn genetic diseases. Identifiers: MedGen C0950123, MeSH D030342.
Atrial standstill 1 (ATRST1). Also called: Atrial standstill, digenic (GJA5/SCN5A); CARDIOMYOPATHY, FAMILIAL, WITH CONDUCTION DISTURBANCE; ATRIAL CARDIOMYOPATHY WITH HEART BLOCK. Identifiers: Orphanet 1344, MedGen C4551959, MONDO:0007171, OMIM 108770.
Atrial fibrillation, familial, 11 (ATFB11). Identifiers: MedGen C3279693, MONDO:0013544, OMIM 614049.

Allele frequency attached by ClinVar (database versions not stated): gnomAD exomes below 0.00001; gnomAD 0.00003; TOPMed 0.00005; ESP Exome Variant Server 0.00008.

Submissions (2):

Labcorp Genetics (formerly Invitae), Labcorp
Classification: Uncertain significance for Atrial fibrillation, familial, 11; Atrial standstill 1. Last evaluated: 2025-10-24. Review status: criteria provided, single submitter. Criteria: Invitae Variant Classification Sherloc (09022015). Collection method: clinical testing. Allele origin: germline.
Comment: This sequence change replaces tyrosine, which is neutral and polar, with serine, which is neutral and polar, at codon 92 of the GJA5 protein (p.Tyr92Ser). This variant is not present in population databases (gnomAD no frequency). This variant has not been reported in the literature in individuals affected with GJA5-related conditions. ClinVar contains an entry for this variant (Variation ID: 2522496). Invitae Evidence Modeling of protein sequence and biophysical properties (such as structural, functional, and spatial information, amino acid conservation, physicochemical variation, residue mobility, and thermodynamic stability) indicates that this missense variant is expected to disrupt GJA5 protein function with a positive predictive value of 80%. In summary, the available evidence is currently insufficient to determine the role of this variant in disease. Therefore, it has been classified as a Variant of Uncertain Significance.

Ambry Genetics
Classification: Uncertain significance for Inborn genetic diseases. Last evaluated: 2023-05-17. Review status: criteria provided, single submitter. Criteria: Ambry Variant Classification Scheme 2023. Collection method: clinical testing. Allele origin: germline.